The following is an entry in ClinVar:

ClinVar aggregate classification (germline): Uncertain significance (1 of 4 stars; one submission).

Conditions:
Myasthenic syndrome, congenital, 22 (CMS22). Also called: PREPL DEFICIENCY. Identifiers: MedGen C4479088, MONDO:0044299, OMIM 616224.

Allele frequency attached by ClinVar (database versions not stated): gnomAD exomes 0.00001; ExAC 0.00002; ESP Exome Variant Server 0.00008.
gnomAD v4.1: 12 of 1,614,108 alleles (0.00074%); highest among the groups gnomAD compares: Non-Finnish European, 0.001%; no homozygotes.

Submission:

Labcorp Genetics (formerly Invitae), Labcorp
Classification: Uncertain significance for Myasthenic syndrome, congenital, 22. Last evaluated: 2021-10-15. Review status: criteria provided, single submitter. Criteria: Invitae Variant Classification Sherloc (09022015). Collection method: clinical testing. Allele origin: germline.
Comment: In summary, the available evidence is currently insufficient to determine the role of this variant in disease. Therefore, it has been classified as a Variant of Uncertain Significance. Algorithms developed to predict the effect of missense changes on protein structure and function are either unavailable or do not agree on the potential impact of this missense change (SIFT: "Deleterious"; PolyPhen-2: "Probably Damaging"; Align-GVGD: "Class C0"). This variant has not been reported in the literature in individuals affected with PREPL-related conditions. This variant is present in population databases (rs375731883, ExAC 0.003%). This sequence change replaces arginine with glycine at codon 162 of the PREPL protein (p.Arg162Gly). The arginine residue is highly conserved and there is a moderate physicochemical difference between arginine and glycine.

NM_001171613.2(PREPL):c.217A>G (p.Arg73Gly)

Gene: PREPL (prolyl endopeptidase like; minus strand). Cytogenetic location: 2p21.
Variant type: single nucleotide variant.
Coding change: c.217A>G on transcript NM_001171613.2 (MANE Select); coding-DNA position 217, A replaced by G.
Protein change: p.Arg73Gly; replaces arginine 73 with glycine.
Molecular consequence: missense variant.
Genome position (GRCh38, 1-based): chr2:44,343,877, T>C on the plus strand (A>G on the coding strand, the complement: PREPL is on the minus strand). VCF-style: chr2-44343877-T-C. GRCh37 (hg19) VCF-style: chr2-44571016-T-C.
Other names: c.484A>G, p.Arg162Gly (NM_001042385.2, NM_001042386.2, NM_001171603.1 and 4 more transcripts); c.217A>G, p.Arg73Gly (NM_001171617.1, NM_001374277.1); short protein forms R162G, R73G.
Identifiers: ClinVar variation 1493925 (VCV001493925.6), dbSNP rs375731883, ClinGen allele CA1641568.